The following is an entry in ClinVar:

NM_032119.4(ADGRV1):c.14661+717A>G

Gene: ADGRV1 (adhesion G protein-coupled receptor V1; plus strand). Cytogenetic location: 5q14.3.
Variant type: single nucleotide variant.
Coding change: c.14661+717A>G on transcript NM_032119.4 (MANE Select); 717 bases into the intron after coding-DNA position 14661, A replaced by G.
Molecular consequence: intron variant.
Genome position (GRCh38, 1-based): chr5:90,803,599, A>G. VCF-style: chr5-90803599-A-G. GRCh37 (hg19) VCF-style: chr5-90099416-A-G.
Identifiers: ClinVar variation 4689701 (VCV004689701.1).
Genomic context (GRCh38, chr5:90,803,599, plus strand): 5'-AGCCTGGCTCAAGATGCTGAGGTGGAATCTGTACAGATGAATGGGCAGGAATATGGGCAG[A>G]TATAGTCTCTGGCCACTAAGGGATGCTCTTCAGCTACTCCCGCCTGAGCATCTTCTCCAA-3'

ClinVar aggregate classification (germline): Likely pathogenic (1 of 4 stars; one submission).

Conditions:
Usher syndrome. Also called: Usher Syndromes; Usher's syndrome. Identifiers: Orphanet 886, MedGen CN469326, MeSH D052245, MONDO:0019501. Disease mechanism: loss of function.

gnomAD v4.1: 2 of 152,166 alleles (0.0013%); highest among the groups gnomAD compares: African/African-American, 0.0024%; no homozygotes.

Submission:

Women's Health and Genetics/Laboratory Corporation of America, LabCorp
Classification: Likely pathogenic for Usher syndrome. Last evaluated: 2026-01-02. Review status: criteria provided, single submitter. Criteria: LabCorp Variant Classification Summary - May 2015. Collection method: clinical testing. Allele origin: germline.
Comment: Variant summary: ADGRV1 c.14661+717A>G is located in intron 71 of the ADGRV1 gene at a position not widely known to affect splicing. Several computational tools predict a significant impact on normal splicing: Four predict the variant creates a new cryptic intronic 5' splicing donor donor site. At least one publication reports minigene derived experimental evidence that this variant affects mRNA splicing resulting in the inclusion of a 119-bp long cryptic exon that is predicted to trigger nonsense mediated decay (NMD) (Qian_2021). The variant allele was found at a frequency of 1.3e-05 in 152166 control chromosomes. c.14661+717A>G has been observed as a biallelic presumably compound heterozygous genotype in one individual(s) affected with Usher Syndrome type II (Qian_2021). The following publication has been ascertained in the context of this evaluation (PMID: 33737949). No submitters have cited clinical-significance assessments for this variant to ClinVar. Based on the evidence outlined above, the variant was classified as likely pathogenic.

Literature cited by the submitters: PubMed 33737949.